The following is an entry in ClinVar:

ClinVar aggregate classification (germline): Likely pathogenic (1 of 4 stars; one submission).

Conditions:
Spermatogenic failure 39. Identifiers: MedGen C5231438, MONDO:0032845, OMIM 618643.

Submission:

Juno Genomics, Hangzhou Juno Genomics, Inc
Classification: Likely pathogenic for Spermatogenic failure 39. Review status: criteria provided, single submitter. Criteria: ACMG Guidelines, 2015. Collection method: clinical testing. Allele origin: germline.
Comment: Absent from controls (or at extremely low frequency if recessive) in Genome Aggregation Database.;Null variant in a gene where loss of function (LOF) is a known mechanism of disease.

NM_173628.4(DNAH17):c.10924del (p.Val3642fs)

Gene: DNAH17 (dynein axonemal heavy chain 17; minus strand). Cytogenetic location: 17q25.3.
Variant type: Deletion.
Coding change: c.10924del on transcript NM_173628.4 (MANE Select); coding-DNA position 10924, one base deleted (G; older notation c.10924delG).
Protein change: p.Val3642fs; shifts the reading frame from valine 3642.
Molecular consequence: frameshift variant.
Genome position (GRCh38, 1-based): chr17:78,450,370, C deleted on the plus strand (G on the coding strand, the reverse complement: DNAH17 is on the minus strand). VCF-style (leftmost placement, unchanged base first): chr17-78450369-AC-A. GRCh37 (hg19) VCF-style: chr17-76446451-AC-A.
Other names: short protein forms V3642fs.
Identifiers: ClinVar variation 5019116 (VCV005019116.2).